The following is an entry in ClinVar:

ClinVar aggregate classification (germline): Likely benign (0 of 4 stars; one submission).

Conditions:
NRG1-related disorder. Also called: NRG1-related condition.

Submission:

PreventionGenetics, part of Exact Sciences
Classification: Likely benign for NRG1-related condition. Last evaluated: 2020-07-17. Review status: no assertion criteria provided. Collection method: clinical testing. Allele origin: germline.
Comment: This variant is classified as likely benign based on ACMG/AMP sequence variant interpretation guidelines (Richards et al. 2015 PMID: 25741868, with internal and published modifications).

NM_013962.3(NRG1):c.302CGG[4] (p.Ala105del)

Gene: NRG1 (neuregulin 1; plus strand). Cytogenetic location: 8p12.
Variant type: Microsatellite.
Coding change: c.302CGG[4] on transcript NM_013962.3; four copies in a row of the 3-base unit CGG starting at c.302; the reference has five copies in a row; one copy, 3 bases deleted.
Protein change: p.Ala105del; deletes alanine 105.
Molecular consequence: inframe deletion. On other transcripts: intron variant (5).
Genome position (GRCh38, 1-based): chr8:31,640,298-31,640,300, CGG deleted; deleting any 3 consecutive bases within chr8:31,640,284-31,640,300 gives the same sequence; the position shown is the placement nearest the transcript's 3' end. VCF-style (leftmost placement, unchanged base first): chr8-31640283-AGGC-A. GRCh37 (hg19) VCF-style: chr8-31497799-AGGC-A.
Other names: c.37+853GGC[4] (NM_001159999.3, NM_001159995.3, NM_001160001.3); c.-556+853GGC[4] (NM_001322201.2); c.-505+853GGC[4] (NM_001322202.2); short protein forms A105del.
Identifiers: ClinVar variation 3038071 (VCV003038071.2), dbSNP rs770519581, ClinGen allele CA4705335.